The following is an entry in ClinVar:

NM_006514.4(SCN10A):c.2727C>A (p.Asn909Lys)

Gene: SCN10A (sodium voltage-gated channel alpha subunit 10; minus strand). Cytogenetic location: 3p22.2.
Variant type: single nucleotide variant.
Coding change: c.2727C>A on transcript NM_006514.4 (MANE Select); coding-DNA position 2727, C replaced by A.
Protein change: p.Asn909Lys; replaces asparagine 909 with lysine.
Molecular consequence: missense variant.
Genome position (GRCh38, 1-based): chr3:38,726,966, G>T on the plus strand (C>A on the coding strand, the complement: SCN10A is on the minus strand). VCF-style: chr3-38726966-G-T. GRCh37 (hg19) VCF-style: chr3-38768457-G-T.
Other names: c.2727C>A, p.Asn909Lys (NM_001293306.2); c.2433C>A, p.Asn811Lys (NM_001293307.2); short protein forms N811K, N909K.
Identifiers: ClinVar variation 1328870 (VCV001328870.10), dbSNP rs567269429, ClinGen allele CA2320446.

ClinVar aggregate classification (germline): Conflicting classifications of pathogenicity. Review status: criteria provided, conflicting classifications (1 of 4 stars). 3 submissions from 3 submitters: Uncertain significance (1); Likely benign (2). Last evaluated 2022-11-03.

Conditions:
Brugada syndrome. Also called: Sudden unexpected nocturnal death syndrome; Sudden unexplained nocturnal death syndrome; Sudden Unexplained Death Syndrome; Sudden Unexplained Nocturnal Death Syndrome (SUNDS). Identifiers: Orphanet 130, MedGen C1142166, MONDO:0015263.

Allele frequency attached by ClinVar (database versions not stated): TOPMed below 0.00001; gnomAD 0.00010.
gnomAD v4.1: 75 of 1,614,142 alleles (0.0046%); highest among the groups gnomAD compares: South Asian, 0.0022%; no homozygotes.

Submissions (3):

Labcorp Genetics (formerly Invitae), Labcorp
Classification: Likely benign for Brugada syndrome. Last evaluated: 2022-11-03. Review status: criteria provided, single submitter. Criteria: Invitae Variant Classification Sherloc (09022015). Collection method: clinical testing. Allele origin: germline.

Blueprint Genetics
Classification: Likely benign. Last evaluated: 2022-01-17. Review status: criteria provided, single submitter. Criteria: ACMG Guidelines, 2015. Collection method: clinical testing. Allele origin: germline.

GeneDx
Classification: Uncertain significance. Last evaluated: 2021-06-18. Review status: criteria provided, single submitter. Criteria: GeneDx Variant Classification Process June 2021. Collection method: clinical testing. Allele origin: germline. Affected: yes.
Comment: Reported to segregate with kidney stone disease in multiple members of one family (Nettuwakul et al., 2018); In silico analysis supports that this missense variant has a deleterious effect on protein structure/function; Published functional studies suggest a damaging effect as this variant may lead to decreased peak current density of the sodium channel (Nettuwakul et al., 2018). Nevertheless, it is unclear how these studies may translate to a pathogenic role in vivo.; This variant is associated with the following publications: (PMID: 29992996, 27535533)